The following is an entry in ClinVar:

ClinVar aggregate classification (germline): Uncertain significance (1 of 4 stars; one submission).

Conditions:
Malignant hyperthermia, susceptibility to, 5 (MHS5). Also called: CACNA1S-Related Malignant Hyperthermia Susceptibility. Identifiers: Orphanet 423, MedGen C1866077, MONDO:0011163, OMIM 601887.

gnomAD v4.1: 2 of 1,614,116 alleles (0.00012%); highest among the groups gnomAD compares: South Asian, 0.0011%; no homozygotes.

Submission:

Color Diagnostics, LLC DBA Color Health
Classification: Uncertain significance for Malignant hyperthermia, susceptibility to, 5. Last evaluated: 2025-09-01. Review status: criteria provided, single submitter. Criteria: ACMG Guidelines, 2015. Collection method: clinical testing. Allele origin: germline.
Comment: This missense variant replaces histidine with arginine at codon 859 of the CACNA1S protein. Computational prediction suggests that this variant may have deleterious impact on protein structure and function. To our knowledge, functional studies have not been reported for this variant. This variant has not been reported in individuals affected with CACNA1S-related disorders in the literature. This variant has not been identified in the general population by the Genome Aggregation Database (gnomAD). The available evidence is insufficient to determine the role of this variant in disease conclusively. Therefore, this variant is classified as a Variant of Uncertain Significance.

NM_000069.3(CACNA1S):c.2576A>G (p.His859Arg)

Gene: CACNA1S (calcium voltage-gated channel subunit alpha1 S; minus strand). Cytogenetic location: 1q32.1.
Variant type: single nucleotide variant.
Coding change: c.2576A>G on transcript NM_000069.3 (MANE Select); coding-DNA position 2576, A replaced by G.
Protein change: p.His859Arg; replaces histidine 859 with arginine.
Molecular consequence: missense variant.
Genome position (GRCh38, 1-based): chr1:201,066,968, T>C on the plus strand (A>G on the coding strand, the complement: CACNA1S is on the minus strand). VCF-style: chr1-201066968-T-C. GRCh37 (hg19) VCF-style: chr1-201036096-T-C.
Other names: short protein forms H859R.
Identifiers: ClinVar variation 4756253 (VCV004756253.1).